The following is an entry in ClinVar:

ClinVar aggregate classification (germline): Conflicting classifications of pathogenicity. Review status: criteria provided, conflicting classifications (1 of 4 stars). 2 submissions from 2 submitters: Uncertain significance (1); Likely benign (1). Last evaluated 2024-03-14.

Conditions:
Hereditary cancer-predisposing syndrome. Also called: Neoplastic Syndromes, Hereditary; Tumor predisposition; Hereditary neoplastic syndrome; Hereditary Cancer Syndrome. Identifiers: Orphanet 140162, MedGen C0027672, MeSH D009386, MONDO:0015356.

Allele frequency attached by ClinVar (database versions not stated): gnomAD exomes below 0.00001; ExAC 0.00001.
gnomAD v4.1: 1 of 1,614,222 alleles (0.000062%); highest among the groups gnomAD compares: South Asian, 0.0011%; no homozygotes.

Submissions (2):

Ambry Genetics
Classification: Likely benign for Hereditary cancer-predisposing syndrome. Last evaluated: 2024-03-14. Review status: criteria provided, single submitter. Criteria: Ambry Variant Classification Scheme 2023. Collection method: clinical testing. Allele origin: germline.

Labcorp Genetics (formerly Invitae), Labcorp
Classification: Uncertain significance. Last evaluated: 2023-09-30. Review status: criteria provided, single submitter. Criteria: Invitae Variant Classification Sherloc (09022015). Collection method: clinical testing. Allele origin: germline.
Comment: This sequence change replaces isoleucine, which is neutral and non-polar, with threonine, which is neutral and polar, at codon 157 of the XRCC2 protein (p.Ile157Thr). This variant is present in population databases (rs768674116, gnomAD 0.0009%). This variant has not been reported in the literature in individuals affected with XRCC2-related conditions. Advanced modeling of protein sequence and biophysical properties (such as structural, functional, and spatial information, amino acid conservation, physicochemical variation, residue mobility, and thermodynamic stability) performed at Invitae indicates that this missense variant is not expected to disrupt XRCC2 protein function. In summary, the available evidence is currently insufficient to determine the role of this variant in disease. Therefore, it has been classified as a Variant of Uncertain Significance.

NM_005431.2(XRCC2):c.470T>C (p.Ile157Thr)

Gene: XRCC2 (X-ray repair cross complementing 2; minus strand). Cytogenetic location: 7q36.1.
Variant type: single nucleotide variant.
Coding change: c.470T>C on transcript NM_005431.2 (MANE Select); coding-DNA position 470, T replaced by C.
Protein change: p.Ile157Thr; replaces isoleucine 157 with threonine.
Molecular consequence: missense variant.
Genome position (GRCh38, 1-based): chr7:152,649,015, A>G on the plus strand (T>C on the coding strand, the complement: XRCC2 is on the minus strand). VCF-style: chr7-152649015-A-G. GRCh37 (hg19) VCF-style: chr7-152346100-A-G.
Other names: c.470T>C (NM_005431.1); short protein forms I157T.
Identifiers: ClinVar variation 2723554 (VCV002723554.4), dbSNP rs768674116, ClinGen allele CA4582342.